The following is an entry in ClinVar:

NM_013291.3(CPSF1):c.2868C>G (p.Thr956=)

Gene: CPSF1 (cleavage and polyadenylation specific factor 1; minus strand). Cytogenetic location: 8q24.3.
Variant type: single nucleotide variant.
Coding change: c.2868C>G on transcript NM_013291.3 (MANE Select); coding-DNA position 2868, C replaced by G.
Protein change: p.Thr956=; no amino-acid change (threonine 956 retained).
Molecular consequence: synonymous variant.
Genome position (GRCh38, 1-based): chr8:144,396,459, G>C on the plus strand (C>G on the coding strand, the complement: CPSF1 is on the minus strand). VCF-style: chr8-144396459-G-C. GRCh37 (hg19) VCF-style: chr8-145621674-G-C.
Identifiers: ClinVar variation 4980169 (VCV004980169.1).

ClinVar aggregate classification (germline): Likely benign (1 of 4 stars; one submission).

Conditions:
CPSF1-related disorder. Also called: CPSF1-related condition.

gnomAD v4.1: 70 of 1,603,254 alleles (0.0044%); highest among the groups gnomAD compares: African/African-American, 0.084%; no homozygotes.

Submission:

PreventionGenetics, part of Exact Sciences
Classification: Likely benign for CPSF1-related condition. Last evaluated: 2026-09-15. Review status: criteria provided, single submitter. Criteria: ACMG Guidelines, 2015. Collection method: clinical testing. Allele origin: germline.
Comment: This variant is classified as likely benign based on ACMG/AMP sequence variant interpretation guidelines (Richards et al. 2015 PMID: 25741868, with internal and published modifications).